The following is an entry in ClinVar:

ClinVar aggregate classification (germline): Uncertain significance (1 of 4 stars; one submission).

Conditions:
CDH23-related disorder. Also called: CDH23-related condition; CDH23-related disorders.

gnomAD v4.1: 9 of 1,613,882 alleles (0.00056%); highest among the groups gnomAD compares: Admixed American, 0.0033%; no homozygotes.

Submission:

PreventionGenetics, part of Exact Sciences
Classification: Uncertain significance for CDH23-related condition. Last evaluated: 2026-07-27. Review status: criteria provided, single submitter. Criteria: ACMG Guidelines, 2015. Collection method: clinical testing. Allele origin: germline.
Comment: The CDH23 c.1439T>C variant is predicted to result in the amino acid substitution p.Leu480Pro. To our knowledge, this variant has not been reported in the literature. This variant is reported in 0.0029% of alleles in individuals of Latino descent in gnomAD. At this time, the clinical significance of this variant is uncertain due to the absence of conclusive functional and genetic evidence.

NM_022124.6(CDH23):c.1439T>C (p.Leu480Pro)

Gene: CDH23 (cadherin related 23; plus strand). Cytogenetic location: 10q22.1.
Variant type: single nucleotide variant.
Coding change: c.1439T>C on transcript NM_022124.6 (MANE Select); coding-DNA position 1439, T replaced by C.
Protein change: p.Leu480Pro; replaces leucine 480 with proline.
Molecular consequence: missense variant.
Genome position (GRCh38, 1-based): chr10:71,646,607, T>C. VCF-style: chr10-71646607-T-C. GRCh37 (hg19) VCF-style: chr10-73406364-T-C.
Other names: c.1439T>C, p.Leu480Pro (NM_001171930.2, NM_001171931.2, NM_052836.4); short protein forms L480P.
Identifiers: ClinVar variation 4977580 (VCV004977580.1).